The following is an entry in ClinVar:

NM_020066.5(FMN2):c.3318C>A (p.Gly1106=)

Gene: FMN2 (formin 2; plus strand). Cytogenetic location: 1q43.
Variant type: single nucleotide variant.
Coding change: c.3318C>A on transcript NM_020066.5 (MANE Select); coding-DNA position 3318, C replaced by A.
Protein change: p.Gly1106=; no amino-acid change (glycine 1106 retained).
Molecular consequence: synonymous variant. On other transcripts: intron variant (1).
Genome position (GRCh38, 1-based): chr1:240,208,130, C>A. VCF-style: chr1-240208130-C-A. GRCh37 (hg19) VCF-style: chr1-240371430-C-A.
Other names: c.3330C>A, p.Gly1110= (NM_001305424.2); c.1986+19868C>A (NM_001348094.2).
Identifiers: ClinVar variation 4872988 (VCV004872988.2).

ClinVar aggregate classification (germline): Likely benign (1 of 4 stars; one submission).

Submission:

CeGaT Center for Human Genetics Tuebingen
Classification: Likely benign. Last evaluated: 2026-09-01. Review status: criteria provided, single submitter. Criteria: CeGaT Center For Human Genetics Tuebingen Variant Classification Criteria Version 2. Collection method: clinical testing. Allele origin: germline. Affected: yes. Observed: 2 variant alleles.
Comment: FMN2: BP4, BP7